The following is an entry in ClinVar:

NM_206965.2(FTCD):c.990dup (p.Pro331fs)

Gene: FTCD (formimidoyltransferase cyclodeaminase; minus strand). Cytogenetic location: 21q22.3.
Variant type: Duplication.
Coding change: c.990dup on transcript NM_206965.2 (MANE Select); coding-DNA position 990, one base duplicated (G; older notation c.990dupG).
Protein change: p.Pro331fs; shifts the reading frame from proline 331.
Molecular consequence: frameshift variant.
Genome position (GRCh38, 1-based): chr21:46,145,926, C duplicated on the plus strand (G on the coding strand, the reverse complement: FTCD is on the minus strand); the first of 3 consecutive C bases (chr21:46,145,926-46,145,928); duplicating any one gives the same sequence. VCF-style (leftmost placement, unchanged base first): chr21-46145925-G-GC. GRCh37 (hg19) VCF-style: chr21-47565839-G-GC.
Other names: c.990dupG (NM_206965.2, NM_001320412.1, NM_006657.3); c.990dup (NM_006657.2); c.990dup, p.Pro331fs (NM_001320412.2, NM_006657.3); short protein forms P331fs.
Identifiers: ClinVar variation 4019 (VCV000004019.73), dbSNP rs398124234, ClinGen allele CA222968.
Genomic context (GRCh38, chr21:46,145,925, plus strand): 5'-AGCGGGCACCCACCTCCCCCACGAAGGCGCGCAGGGACTTGCTGCCCAGGCCTCGCTCAG[G>GC]CCCGCGCTCAGGGACCAGGTACCTGCAGGGTGGGCGCGGCTCAGCGGGTCTGGCCGGGGT-3'

ClinVar aggregate classification (germline): Pathogenic/Likely pathogenic. Review status: criteria provided, multiple submitters, no conflicts (2 of 4 stars). 20 submissions from 20 submitters: Pathogenic (14); Likely pathogenic (4). 2 of the submissions do not count toward it. Last evaluated 2026-09-08.

Conditions:
FTCD-related disorders.
FTCD-related disorder. Also called: FTCD-related condition.
Inborn genetic diseases. Identifiers: MedGen C0950123, MeSH D030342.
Glutamate formiminotransferase deficiency. Also called: Arakawa syndrome 1; Formiminoglutamic aciduria. Identifiers: Orphanet 51208, MedGen C0268609, MONDO:0009240, OMIM 229100.

Submissions 1 to 15 of 20:

PreventionGenetics, part of Exact Sciences
Classification: Pathogenic for FTCD-related condition. Last evaluated: 2026-09-08. Review status: criteria provided, single submitter. Criteria: ACMG Guidelines, 2015. Collection method: clinical testing. Allele origin: germline.
Comment: The FTCD c.990dupG variant is predicted to result in a frameshift and premature protein termination (p.Pro331Alafs*2). This variant has been reported in the homozygous state or in the heterozygous state with a second pathogenic variant in patients with autosomal recessive glutamate formiminotransferase deficiency. The reported FTCD variants were confirmed to be compound heterozygous in at least one reported family (e.g., Majumdar et al. 2017. PubMed ID: 29178637). The c.990dup variant introduces a premature stop codon between the enzyme formiminotransferase and cyclodeaminase domains. This variant has been reported to lead to a truncated FTCD enzyme missing the cyclodeaminase domain (Hilton et al. 2003. PubMed ID: 12815595, reported as c.1033insG). Additional predicted FTCD loss-of-function variants have been reported in association with formiminoglutamic aciduria (Human Gene Mutation Database). Several outside laboratories have classified this variant as pathogenic or likely pathogenic in the ClinVar database (Variation ID: 4019). Taken together, we classify this variant as pathogenic.

Labcorp Genetics (formerly Invitae), Labcorp
Classification: Likely pathogenic for Glutamate formiminotransferase deficiency. Last evaluated: 2026-01-24. Review status: criteria provided, single submitter. Criteria: Invitae Variant Classification Sherloc (09022015). Collection method: clinical testing. Allele origin: germline.
Comment: This sequence change creates a premature translational stop signal (p.Pro331Alafs*2) in the FTCD gene. It is expected to result in an absent or disrupted protein product. Loss-of-function variants in FTCD are known to be pathogenic (PMID: 29178637, 30740726). This variant is present in population databases (rs398124234, gnomAD 1.0%), and has an allele count higher than expected for a pathogenic variant. This premature translational stop signal has been observed in individuals with glutamate formiminotransferase deficiency (PMID: 12815595, 29178637, 30740726). It has also been observed to segregate with disease in related individuals. ClinVar contains an entry for this variant (Variation ID: 4019). In summary, the currently available evidence indicates that the variant is pathogenic, but additional data are needed to prove that conclusively. Therefore, this variant has been classified as Likely Pathogenic.

GeneDx
Classification: Pathogenic. Last evaluated: 2025-12-12. Review status: criteria provided, single submitter. Criteria: GeneDx Variant Classification Process June 2021. Collection method: clinical testing. Allele origin: germline. Affected: yes.
Comment: Functional studies show a truncated protein, loss of the cyclodeaminase domain, but normal formiminotransferase activity; study authors suggest second step in reaction is hindered despite intact formiminotransferase activity (PMID: 12815595); This variant is associated with the following publications: (PMID: 25689098, 29178637, 31980526, 34426522, 12815595)

Revvity Omics, Revvity
Classification: Pathogenic for Glutamate formiminotransferase deficiency. Last evaluated: 2025-06-24. Review status: criteria provided, single submitter. Criteria: ACMG Guidelines, 2015. Collection method: clinical testing. Allele origin: germline.

First Genomix Gene Laboratory, Genetic Diagnostics Department
Classification: Pathogenic for Glutamate formiminotransferase deficiency. Last evaluated: 2025-05-07. Review status: criteria provided, single submitter. Criteria: ACMG Guidelines, 2015. Collection method: clinical testing. Allele origin: germline. Inheritance: Autosomal recessive inheritance. Affected: no. Observed: 1 variant allele.

Women's Health and Genetics/Laboratory Corporation of America, LabCorp
Classification: Pathogenic for Glutamate formiminotransferase deficiency. Last evaluated: 2025-04-09. Review status: criteria provided, single submitter. Criteria: LabCorp Variant Classification Summary - May 2015. Collection method: clinical testing. Allele origin: germline.
Comment: Variant summary: FTCD c.990dupG (p.Pro331AlafsX2) results in a premature termination codon, predicted to cause a truncation of the encoded protein or absence of the protein due to nonsense mediated decay, which are commonly known mechanisms for disease. The variant allele was found at a frequency of 0.0029 in 112050 control chromosomes in the gnomAD database, including 2 homozygotes. The observed variant frequency exceeds the estimated maximal expected allele frequency for a pathogenic variant in FTCD causing Glutamate Formiminotransferase Deficiency phenotype. c.990dupG (also known as c.1033insG) has been reported in the literature in multiple homozygous and compound heterozygous individuals affected with Glutamate Formiminotransferase Deficiency (example: Hilton_2003, Ahrens-Nicklas_2019). These data indicate that the variant is very likely to be associated with disease. At least one publication reports experimental evidence that the variant results in a truncated protein and loss of the cyclodeaminase domain (Hilton_2003). The following publications have been ascertained in the context of this evaluation (PMID: 30740726, 12815595). ClinVar contains an entry for this variant (Variation ID: 4019). Based on the evidence outlined above, the variant was classified as pathogenic.

Laboratory of Genetics, Children's Clinical University Hospital Latvia
Classification: Pathogenic. Last evaluated: 2025-02-16. Review status: criteria provided, single submitter. Criteria: ACMG Guidelines, 2015. Collection method: clinical testing. Allele origin: germline. Affected: yes.

CeGaT Center for Human Genetics Tuebingen
Classification: Likely pathogenic. Last evaluated: 2024-12-01. Review status: criteria provided, single submitter. Criteria: CeGaT Center For Human Genetics Tuebingen Variant Classification Criteria Version 2. Collection method: clinical testing. Allele origin: germline. Affected: yes. Observed: 4 variant alleles.
Comment: FTCD: PVS1

Blueprint Genetics
Classification: Likely pathogenic for FTCD-related disorders. Last evaluated: 2024-11-28. Review status: criteria provided, single submitter. Criteria: ACMG Guidelines, 2015. Collection method: clinical testing. Allele origin: germline. Affected: yes. Observed: 5 variant alleles.

Centre for Clinical Genetics and Genomic Diagnostics, Zealand University Hospital
Classification: Pathogenic. Last evaluated: 2024-08-23. Review status: criteria provided, single submitter. Criteria: ACMG Guidelines, 2015. Collection method: clinical testing. Allele origin: biparental. Affected: yes.

Fulgent Genetics
Classification: Pathogenic for Glutamate formiminotransferase deficiency. Last evaluated: 2024-05-09. Review status: criteria provided, single submitter. Criteria: ACMG Guidelines, 2015. Collection method: clinical testing. Allele origin: germline.

Department of Pathology and Laboratory Medicine, Sinai Health System
Classification: Likely pathogenic for formiminoglutamic aciduria. Last evaluated: 2023-08-27. Review status: criteria provided, single submitter. Criteria: ACMG Guidelines, 2015. Collection method: research. Allele origin: germline.

Pittsburgh Clinical Genomics Laboratory, University of Pittsburgh Medical Center
Classification: Pathogenic for Glutamate formiminotransferase deficiency. Last evaluated: 2022-12-27. Review status: criteria provided, single submitter. Criteria: ACMG Guidelines, 2015. Collection method: clinical testing. Allele origin: germline. Inheritance: Autosomal recessive inheritance. Affected: yes.
Comment: This sequence variant is a single nucleotide duplication (dupG) at coding position 990 of the FTCD gene that results in an early termition codon 2 base pairs downstream of the frameshift and is predicted to result in a null allele due through either protein truncation or a loss of FTCD expression by nonsense mediated decay. This a previously reported pathogenic allele (ClinVar) that is also referred to as c.1033dup in the literature. This variant has been observed in the homozygous or compound heterozygous state in several individuals with elevated formiminoglutamate in the urine (PMID: 12815595, 29178637, 30740726, 30679813). This variant is present in control population datasets (gnomAD database, 465 of 141806 alleles or 0.3%). Given the evidence, we consider this variant to be pathogenic. ACMG Criteria: PP5, PS4, PVS1

Institute for Clinical Genetics, University Hospital TU Dresden, University Hospital TU Dresden
Classification: Pathogenic. Last evaluated: 2022-08-18. Review status: criteria provided, single submitter. Criteria: ACMG Guidelines, 2015. Collection method: clinical testing. Allele origin: maternal.
Comment: PVS1, PS3, PM3

Mendelics
Classification: Pathogenic for Glutamate formiminotransferase deficiency. Last evaluated: 2022-05-04. Review status: criteria provided, single submitter. Criteria: Mendelics Assertion Criteria 2019. Collection method: clinical testing. Allele origin: germline.